The following is an entry in ClinVar:

NM_025179.4(PLXNA2):c.5203C>T (p.Arg1735Trp)

Gene: PLXNA2 (plexin A2; minus strand). Cytogenetic location: 1q32.2.
Variant type: single nucleotide variant.
Coding change: c.5203C>T on transcript NM_025179.4 (MANE Select); coding-DNA position 5203, C replaced by T.
Protein change: p.Arg1735Trp; replaces arginine 1735 with tryptophan.
Molecular consequence: missense variant.
Genome position (GRCh38, 1-based): chr1:208,031,612, G>A on the plus strand (C>T on the coding strand, the complement: PLXNA2 is on the minus strand). VCF-style: chr1-208031612-G-A. GRCh37 (hg19) VCF-style: chr1-208204957-G-A.
Other names: short protein forms R1735W.
Identifiers: ClinVar variation 3421130 (VCV003421130.2).

ClinVar aggregate classification (germline): Uncertain significance. Review status: criteria provided, multiple submitters, no conflicts (2 of 4 stars). 2 submissions from 2 submitters: Uncertain significance (2). Last evaluated 2026-04-07.

Conditions:
PLXNA2-related disorder. Also called: PLXNA2-related condition.

gnomAD v4.1: 26 of 1,613,854 alleles (0.0016%); highest among the groups gnomAD compares: East Asian, 0.0045%; no homozygotes.

Submissions (2):

PreventionGenetics, part of Exact Sciences
Classification: Uncertain significance for PLXNA2-related condition. Last evaluated: 2026-04-07. Review status: criteria provided, single submitter. Criteria: ACMG Guidelines, 2015. Collection method: clinical testing. Allele origin: germline.
Comment: The PLXNA2 c.5203C>T variant is predicted to result in the amino acid substitution p.Arg1735Trp. To our knowledge, this variant has not been reported in the literature. This variant is reported in 0.0026% of alleles in individuals of European (Non-Finnish) descent in gnomAD. At this time, the clinical significance of this variant is uncertain due to the absence of conclusive functional and genetic evidence.

Ambry Genetics
Classification: Uncertain significance. Last evaluated: 2024-12-04. Review status: criteria provided, single submitter. Criteria: Ambry Variant Classification Scheme 2023. Collection method: clinical testing. Allele origin: germline.